The following is an entry in ClinVar:

NM_001367868.2(PLIN4):c.1558G>A (p.Gly520Ser)

Gene: PLIN4 (perilipin 4; minus strand). Cytogenetic location: 19p13.3.
Variant type: single nucleotide variant.
Coding change: c.1558G>A on transcript NM_001367868.2 (MANE Select); coding-DNA position 1558, G replaced by A.
Protein change: p.Gly520Ser; replaces glycine 520 with serine.
Molecular consequence: missense variant.
Genome position (GRCh38, 1-based): chr19:4,512,402, C>T on the plus strand (G>A on the coding strand, the complement: PLIN4 is on the minus strand). VCF-style: chr19-4512402-C-T. GRCh37 (hg19) VCF-style: chr19-4512414-C-T.
Other names: NM_001080400.1:c.1516G>A; c.1561G>A, p.Gly521Ser (NM_001393888.1, NM_001393889.1); c.1558G>A, p.Gly520Ser (NM_001393890.1, NM_001393891.1); short protein forms G520S, G521S.
Identifiers: ClinVar variation 2343393 (VCV002343393.26), dbSNP rs201053045, ClinGen allele CA9100646.
Genomic context (GRCh38, chr19:4,512,402, plus strand): 5'-TCACCCCACTGCAGACGGTGTCCTTGGTGCCGGTTAGGACAGTCTTGGTGGTGTCTACGC[C>T]GGTCTGGACGGTCCCTTTGGCCACGTTCACAGCCCCTGTGAGCCCAGTGGACACAGCATC-3'
Protein context (NP_001354797.1, residues 510-530): VNVAKGTVQT[Gly520Ser]VDTTKTVLTG

ClinVar aggregate classification (germline): Conflicting classifications of pathogenicity. Review status: criteria provided, conflicting classifications (1 of 4 stars). 2 submissions from 2 submitters: Uncertain significance (1); Likely benign (1). Last evaluated 2023-08-01.

Allele frequency attached by ClinVar (database versions not stated): gnomAD 0.00020; ExAC 0.00038; 1000 Genomes Project 0.00040; 1000 Genomes Project 30x 0.00062.
gnomAD v4.1: 315 of 1,608,590 alleles (0.02%); highest among the groups gnomAD compares: East Asian, 0.036%; no homozygotes.

Submissions (2):

CeGaT Center for Human Genetics Tuebingen
Classification: Likely benign. Last evaluated: 2023-08-01. Review status: criteria provided, single submitter. Criteria: CeGaT Center For Human Genetics Tuebingen Variant Classification Criteria Version 2. Collection method: clinical testing. Allele origin: germline. Affected: yes. Observed: 1 variant allele.
Comment: PLIN4: BP4

Ambry Genetics
Classification: Uncertain significance. Last evaluated: 2022-04-29. Review status: criteria provided, single submitter. Criteria: Ambry Variant Classification Scheme 2023. Collection method: clinical testing. Allele origin: germline.